The following is an entry in ClinVar:

ClinVar aggregate classification (germline): Uncertain significance (1 of 4 stars; one submission).

Submission:

Labcorp Genetics (formerly Invitae), Labcorp
Classification: Uncertain significance. Last evaluated: 2022-05-12. Review status: criteria provided, single submitter. Criteria: Invitae Variant Classification Sherloc (09022015). Collection method: clinical testing. Allele origin: germline.
Comment: In summary, the available evidence is currently insufficient to determine the role of this variant in disease. Therefore, it has been classified as a Variant of Uncertain Significance. Algorithms developed to predict the effect of missense changes on protein structure and function are either unavailable or do not agree on the potential impact of this missense change (SIFT: "Deleterious"; PolyPhen-2: "Benign"; Align-GVGD: "Class C45"). This variant has not been reported in the literature in individuals affected with SAMD11-related conditions. This variant is not present in population databases (gnomAD no frequency). This sequence change replaces valine, which is neutral and non-polar, with glutamic acid, which is acidic and polar, at codon 524 of the SAMD11 protein (p.Val524Glu).

NM_001385641.1(SAMD11):c.2060T>A (p.Val687Glu)

Genes: SAMD11 (sterile alpha motif domain containing 11; plus strand), LOC129929063 (ATAC-STARR-seq lymphoblastoid active region 4; plus strand). Cytogenetic location: 1p36.33.
Variant type: single nucleotide variant.
Coding change: c.2060T>A on transcript NM_001385641.1 (MANE Select); coding-DNA position 2060, T replaced by A.
Protein change: p.Val687Glu; replaces valine 687 with glutamic acid.
Molecular consequence: missense variant.
Genome position (GRCh38, 1-based): chr1:943,259, T>A. VCF-style: chr1-943259-T-A. GRCh37 (hg19) VCF-style: chr1-878639-T-A.
Other names: c.2063T>A, p.Val688Glu (NM_001385640.1); c.1571T>A, p.Val524Glu (NM_152486.4); short protein forms V687E, V688E, V524E.
Identifiers: ClinVar variation 1993738 (VCV001993738.4), dbSNP rs1641919989, ClinGen allele CA337814857.